The following is an entry in ClinVar:

ClinVar aggregate classification (germline): Likely benign (0 of 4 stars; one submission).

Conditions:
FBXL3-related disorder. Also called: FBXL3-related condition.

Submission:

PreventionGenetics, part of Exact Sciences
Classification: Likely benign for FBXL3-related condition. Last evaluated: 2019-10-30. Review status: no assertion criteria provided. Collection method: clinical testing. Allele origin: germline.
Comment: This variant is classified as likely benign based on ACMG/AMP sequence variant interpretation guidelines (Richards et al. 2015 PMID: 25741868, with internal and published modifications).

NM_012158.4(FBXL3):c.644-9del

Gene: FBXL3 (F-box and leucine rich repeat protein 3; minus strand). Cytogenetic location: 13q22.3.
Variant type: Deletion.
Coding change: c.644-9del on transcript NM_012158.4 (MANE Select); 9 bases into the intron before coding-DNA position 644, one base deleted (T; older notation c.644-9delT).
Molecular consequence: intron variant.
Genome position (GRCh38, 1-based): chr13:77,007,797, A deleted on the plus strand (T on the coding strand, the reverse complement: FBXL3 is on the minus strand); the first of 10 consecutive A bases (chr13:77,007,797-77,007,806); deleting any one gives the same sequence. VCF-style (leftmost placement, unchanged base first): chr13-77007796-GA-G. GRCh37 (hg19) VCF-style: chr13-77581931-GA-G.
Identifiers: ClinVar variation 3049399 (VCV003049399.2), dbSNP rs757276072, ClinGen allele CA7007376.